The following is an entry in ClinVar:

NM_003322.6(TULP1):c.568G>T (p.Glu190Ter)

Gene: TULP1 (TUB like protein 1; minus strand). Cytogenetic location: 6p21.31.
Variant type: single nucleotide variant.
Coding change: c.568G>T on transcript NM_003322.6 (MANE Select); coding-DNA position 568, G replaced by T.
Protein change: p.Glu190Ter; replaces glutamic acid 190 with a stop codon.
Molecular consequence: nonsense.
Genome position (GRCh38, 1-based): chr6:35,509,860, C>A on the plus strand (G>T on the coding strand, the complement: TULP1 is on the minus strand). VCF-style: chr6-35509860-C-A. GRCh37 (hg19) VCF-style: chr6-35477637-C-A.
Other names: c.409G>T, p.Glu137Ter (NM_001289395.2); short protein forms E137*, E190*.
Identifiers: ClinVar variation 987369 (VCV000987369.3), dbSNP rs1761161294, ClinGen allele CA363782859.

ClinVar aggregate classification (germline): Pathogenic. Review status: criteria provided, multiple submitters, no conflicts (2 of 4 stars). 2 submissions from 2 submitters: Pathogenic (2). Last evaluated 2021-10-05.

Conditions:
Leber congenital amaurosis 15 (LCA15). Identifiers: Orphanet 65, MedGen C3151206, MONDO:0013457, OMIM 613843.

Submissions (2):

Laboratory of Medical Genetics, National & Kapodistrian University of Athens
Classification: Pathogenic for Leber congenital amaurosis 15. Last evaluated: 2021-10-05. Review status: criteria provided, single submitter. Criteria: ACMG Guidelines, 2015. Collection method: clinical testing. Allele origin: unknown. Affected: yes.
Comment: PVS1, PM2, PP5

Institute of Medical Genetics and Applied Genomics, University Hospital Tübingen
Classification: Pathogenic. Last evaluated: 2020-10-23. Review status: criteria provided, single submitter. Criteria: ACMG Guidelines, 2015. Collection method: clinical testing. Allele origin: germline. Inheritance: Autosomal recessive inheritance. Affected: yes.